The following is an entry in ClinVar:

NM_001330.5(CTF1):c.253G>T (p.Glu85Ter)

Genes: CTF1 (cardiotrophin 1; plus strand), LOC130058878 (ATAC-STARR-seq lymphoblastoid silent region 7400; plus strand). Cytogenetic location: 16p11.2.
Variant type: single nucleotide variant.
Coding change: c.253G>T on transcript NM_001330.5 (MANE Select); coding-DNA position 253, G replaced by T.
Protein change: p.Glu85Ter; replaces glutamic acid 85 with a stop codon.
Molecular consequence: nonsense. On other transcripts: non-coding transcript variant (1).
Genome position (GRCh38, 1-based): chr16:30,902,186, G>T. VCF-style: chr16-30902186-G-T. GRCh37 (hg19) VCF-style: chr16-30913507-G-T.
Other names: c.250G>T, p.Glu84Ter (NM_001142544.3); short protein forms E84*, E85*.
Identifiers: ClinVar variation 2737602 (VCV002737602.3), dbSNP rs1489208133, ClinGen allele CA395618603.
Genomic context (GRCh38, chr16:30,902,186, plus strand): 5'-CGGCTGCCGGTGGCCGGCCTGAGCGCCCCGGCTCCGAGCCACGCGGGGCTGCCAGTGCAC[G>T]AGCGGCTGCGGCTGGACGCGGCGGCGCTGGCCGCGCTGCCCCCGCTGCTGGACGCAGTGT-3'

ClinVar aggregate classification (germline): Uncertain significance (1 of 4 stars; one submission).

gnomAD v4.1: 11 of 1,213,866 alleles (0.00091%); highest among the groups gnomAD compares: Non-Finnish European, 0.001%; no homozygotes.

Submission:

Labcorp Genetics (formerly Invitae), Labcorp
Classification: Uncertain significance. Last evaluated: 2023-10-16. Review status: criteria provided, single submitter. Criteria: Invitae Variant Classification Sherloc (09022015). Collection method: clinical testing. Allele origin: germline.
Comment: This sequence change creates a premature translational stop signal (p.Glu85*) in the CTF1 gene. While this is not anticipated to result in nonsense mediated decay, it is expected to disrupt the last 117 amino acid(s) of the CTF1 protein. The frequency data for this variant in the population databases is considered unreliable, as metrics indicate insufficient coverage at this position in the gnomAD database. This variant has not been reported in the literature in individuals affected with CTF1-related conditions. Experimental studies and prediction algorithms are not available or were not evaluated, and the functional significance of this variant is currently unknown. In summary, the available evidence is currently insufficient to determine the role of this variant in disease. Therefore, it has been classified as a Variant of Uncertain Significance.